The following is an entry in ClinVar:

NM_014991.6(WDFY3):c.1930G>C (p.Val644Leu)

Genes: WDFY3 (WD repeat and FYVE domain containing 3; minus strand), WDFY3-AS1 (WDFY3 antisense RNA 1; plus strand). Cytogenetic location: 4q21.23.
Variant type: single nucleotide variant.
Coding change: c.1930G>C on transcript NM_014991.6 (MANE Select); coding-DNA position 1930, G replaced by C.
Protein change: p.Val644Leu; replaces valine 644 with leucine.
Molecular consequence: missense variant. On other transcripts: non-coding transcript variant (1).
Genome position (GRCh38, 1-based): chr4:84,810,302, C>G on the plus strand (G>C on the coding strand, the complement: WDFY3 is on the minus strand). VCF-style: chr4-84810302-C-G. GRCh37 (hg19) VCF-style: chr4-85731455-C-G.
Other names: short protein forms V644L.
Identifiers: ClinVar variation 5007991 (VCV005007991.1).

ClinVar aggregate classification (germline): Uncertain significance (1 of 4 stars; one submission).

Submission:

GeneDx
Classification: Uncertain significance. Last evaluated: 2026-02-14. Review status: criteria provided, single submitter. Criteria: GeneDx Variant Classification Process June 2021. Collection method: clinical testing. Allele origin: germline.
Comment: Not observed at significant frequency in large population cohorts (gnomAD); In silico analysis suggests that this missense variant does not alter protein structure/function; Has not been previously published as pathogenic or benign to our knowledge